The following is an entry in ClinVar:

ClinVar aggregate classification (germline): Uncertain significance (1 of 4 stars; one submission).

Conditions:
Fanconi anemia (FA). Also called: Fanconi's anemia. Identifiers: Orphanet 84, MedGen C0015625, MeSH D005199, MONDO:0019391.

Allele frequency attached by ClinVar (database versions not stated): gnomAD exomes 0.00001.
gnomAD v4.1: 22 of 1,614,002 alleles (0.0014%); highest among the groups gnomAD compares: Non-Finnish European, 0.0018%; no homozygotes.

Submission:

Labcorp Genetics (formerly Invitae), Labcorp
Classification: Uncertain significance for Fanconi anemia. Last evaluated: 2025-05-05. Review status: criteria provided, single submitter. Criteria: Invitae Variant Classification Sherloc (09022015). Collection method: clinical testing. Allele origin: germline.
Comment: This sequence change replaces aspartic acid, which is acidic and polar, with glycine, which is neutral and non-polar, at codon 205 of the FANCL protein (p.Asp205Gly). This variant is present in population databases (no rsID available, gnomAD 0.003%). This variant has not been reported in the literature in individuals affected with FANCL-related conditions. ClinVar contains an entry for this variant (Variation ID: 2144710). Invitae Evidence Modeling of protein sequence and biophysical properties (such as structural, functional, and spatial information, amino acid conservation, physicochemical variation, residue mobility, and thermodynamic stability) indicates that this missense variant is expected to disrupt FANCL protein function with a positive predictive value of 80%. In summary, the available evidence is currently insufficient to determine the role of this variant in disease. Therefore, it has been classified as a Variant of Uncertain Significance.

NM_018062.4(FANCL):c.614A>G (p.Asp205Gly)

Gene: FANCL (FA complementation group L; minus strand). Cytogenetic location: 2p16.1.
Variant type: single nucleotide variant.
Coding change: c.614A>G on transcript NM_018062.4 (MANE Select); coding-DNA position 614, A replaced by G.
Protein change: p.Asp205Gly; replaces aspartic acid 205 with glycine.
Molecular consequence: missense variant.
Genome position (GRCh38, 1-based): chr2:58,165,801, T>C on the plus strand (A>G on the coding strand, the complement: FANCL is on the minus strand). VCF-style: chr2-58165801-T-C. GRCh37 (hg19) VCF-style: chr2-58392936-T-C.
Other names: c.629A>G, p.Asp210Gly (NM_001114636.2); c.659A>G, p.Asp220Gly (NM_001374615.1); c.674A>G, p.Asp225Gly (NM_001410792.1); short protein forms D205G, D210G, D225G, D220G.
Identifiers: ClinVar variation 2144710 (VCV002144710.3), dbSNP rs1467106277, ClinGen allele CA346937378.